The following is an entry in ClinVar:

NM_000260.4(MYO7A):c.5169-6C>T

Gene: MYO7A (myosin VIIA; plus strand). Cytogenetic location: 11q13.5.
Variant type: single nucleotide variant.
Coding change: c.5169-6C>T on transcript NM_000260.4 (MANE Select); 6 bases into the intron before coding-DNA position 5169, C replaced by T.
Molecular consequence: intron variant.
Genome position (GRCh38, 1-based): chr11:77,203,054, C>T. VCF-style: chr11-77203054-C-T. GRCh37 (hg19) VCF-style: chr11-76914099-C-T.
Other names: c.5022-6C>T (NM_001369365.1); c.5055-6C>T (NM_001127180.2).
Identifiers: ClinVar variation 288526 (VCV000288526.26), dbSNP rs768594224, ClinGen allele CA6198646.
Genomic context (GRCh38, chr11:77,203,054, plus strand): 5'-ACCTGGGGGTTTCTCCCCGGGGCTGCCAGCGATGGGGCGTTGCTGACGGTCCCTGTGCTG[C>T]GGCAGGCCCCCACCCAAGCACACGCTGAGCCGTGTCATGGTGTCCAAGGCCCGAGGCAAG-3'

ClinVar aggregate classification (germline): Conflicting classifications of pathogenicity. Review status: criteria provided, conflicting classifications (1 of 4 stars). 9 submissions from 7 submitters: Uncertain significance (4); Likely benign (4). 1 of the submissions does not count toward it. Last evaluated 2026-07-16.

Conditions:
Usher syndrome type 1 (USH1). Also called: RETINITIS PIGMENTOSA AND CONGENITAL DEAFNESS. Identifiers: Orphanet 231169, Orphanet 886, MedGen C1568247, MONDO:0010168, OMIM 276900.
MYO7A-related disorder. Also called: MYO7A-related disorders.
Autosomal recessive nonsyndromic hearing loss 2. Also called: NEUROSENSORY NONSYNDROMIC RECESSIVE DEAFNESS 2; DEAFNESS, AUTOSOMAL RECESSIVE 2. Identifiers: Orphanet 90636, MedGen C1838701, MONDO:0010807, OMIM 600060.
Autosomal dominant nonsyndromic hearing loss 11. Identifiers: Orphanet 90635, MedGen C1832475, MONDO:0011032, OMIM 601317.
Usher syndrome type 1B (USH1B). Also called: Usher syndrome type IB. Identifiers: MedGen C1848638, MONDO:0700087.

Allele frequency attached by ClinVar (database versions not stated): gnomAD exomes 0.00004; gnomAD 0.00005; ExAC 0.00007; TOPMed 0.00009; 1000 Genomes Project 30x 0.00016.

Submissions (9):

PreventionGenetics, part of Exact Sciences
Classification: Likely benign for MYO7A-related condition. Last evaluated: 2026-07-16. Review status: criteria provided, single submitter. Criteria: ACMG Guidelines, 2015. Collection method: clinical testing. Allele origin: germline.
Comment: This variant is classified as likely benign based on ACMG/AMP sequence variant interpretation guidelines (Richards et al. 2015 PMID: 25741868, with internal and published modifications).

Labcorp Genetics (formerly Invitae), Labcorp
Classification: Likely benign. Last evaluated: 2025-12-28. Review status: criteria provided, single submitter. Criteria: Invitae Variant Classification Sherloc (09022015). Collection method: clinical testing. Allele origin: germline.

Illumina Laboratory Services, Illumina
Classification: Uncertain significance for Usher syndrome type 1. Last evaluated: 2018-01-13. Review status: criteria provided, single submitter. Criteria: ICSL Variant Classification Criteria 13 December 2019. Collection method: clinical testing. Allele origin: germline.

Illumina Laboratory Services, Illumina
Classification: Uncertain significance for Autosomal dominant nonsyndromic hearing loss 11. Last evaluated: 2018-01-13. Review status: criteria provided, single submitter. Criteria: ICSL Variant Classification Criteria 13 December 2019. Collection method: clinical testing. Allele origin: germline.

Illumina Laboratory Services, Illumina
Classification: Uncertain significance for Autosomal recessive nonsyndromic hearing loss 2. Last evaluated: 2018-01-13. Review status: criteria provided, single submitter. Criteria: ICSL Variant Classification Criteria 13 December 2019. Collection method: clinical testing. Allele origin: germline.

Laboratory for Molecular Medicine, Mass General Brigham Personalized Medicine
Classification: Likely benign. Last evaluated: 2017-08-23. Review status: criteria provided, single submitter. Criteria: LMM Criteria. Collection method: clinical testing. Allele origin: germline. Observed: 1 variant allele.
Comment: c.5169-6C>T in intron 37 of MYO7A: This variant is not expected to have clinical significance because it does not alter an amino acid residue and is not located within the splice consensus sequence. It has been identified in 1/7730 South As ian chromosomes by the Exome Aggregation Consortium (ExAC; dbSNP rs768594224).

Blueprint Genetics
Classification: Likely benign. Last evaluated: 2017-05-16. Review status: criteria provided, single submitter. Criteria: ACMG Guidelines, 2015. Collection method: clinical testing. Allele origin: germline.

Eurofins Ntd Llc (ga)
Classification: Uncertain significance. Last evaluated: 2016-06-23. Review status: criteria provided, single submitter. Criteria: EGL Classification Definitions 2015. Collection method: clinical testing. Allele origin: germline. Observed: 1 variant allele, 1 heterozygote.

Natera, Inc.
Classification: Uncertain significance for Usher syndrome type 1B. Last evaluated: 2020-04-17. Review status: no assertion criteria provided. Collection method: clinical testing. Allele origin: germline. Not counted in ClinVar's aggregate classification.